The following is an entry in ClinVar:

NM_002474.3(MYH11):c.2409A>G (p.Arg803=)

Gene: MYH11 (myosin heavy chain 11; minus strand). Cytogenetic location: 16p13.11.
Variant type: single nucleotide variant.
Coding change: c.2409A>G on transcript NM_002474.3 (MANE Select); coding-DNA position 2409, A replaced by G.
Protein change: p.Arg803=; no amino-acid change (arginine 803 retained).
Molecular consequence: synonymous variant.
Genome position (GRCh38, 1-based): chr16:15,747,572, T>C on the plus strand (A>G on the coding strand, the complement: MYH11 is on the minus strand). VCF-style: chr16-15747572-T-C. GRCh37 (hg19) VCF-style: chr16-15841429-T-C.
Other names: c.2430A>G, p.Arg810= (NM_001040113.2, NM_001040114.2); c.2409A>G, p.Arg803= (NM_022844.3).
Identifiers: ClinVar variation 2143431 (VCV002143431.7), dbSNP rs556827974, ClinGen allele CA7922298.
Genomic context (GRCh38, chr16:15,747,572, plus strand): 5'-AAAGGCCCCTGTTTGTGATTCGCGTTTGAGGTATTAGGATGCAGGAAAGCATCTTTACTT[T>C]CTGGCCAAGTAGCCACGACACATCGCCTGGAAGGCCATGATGACATCGGTGATCTTCAAA-3'
Protein context (NP_002465.1, residues 793-813): FQAMCRGYLA[Arg803=]KAFAKRQQQL

ClinVar aggregate classification (germline): Likely benign. Review status: criteria provided, multiple submitters, no conflicts (2 of 4 stars). 3 submissions from 3 submitters: Likely benign (3). Last evaluated 2024-02-12.

Conditions:
Aortic aneurysm, familial thoracic 4 (AAT4). Also called: AORTIC ANEURYSM/AORTIC DISSECTION AND PATENT DUCTUS ARTERIOSUS. Identifiers: MedGen C1851504, MONDO:0007568, OMIM 132900.
Familial thoracic aortic aneurysm and aortic dissection (TAAD). Also called: Thoracic aortic aneurysms and dissections. Identifiers: Orphanet 91387, MedGen C4707243, MONDO:0019625.

Allele frequency attached by ClinVar (database versions not stated): gnomAD 0.00001; gnomAD exomes 0.00001; ExAC 0.00006; 1000 Genomes Project 30x 0.00016; 1000 Genomes Project 0.00020.
gnomAD v4.1: 13 of 1,614,152 alleles (0.00081%); highest among the groups gnomAD compares: South Asian, 0.0099%; no homozygotes.

Submissions (3):

Women's Health and Genetics/Laboratory Corporation of America, LabCorp
Classification: Likely benign. Last evaluated: 2024-02-12. Review status: criteria provided, single submitter. Criteria: LabCorp Variant Classification Summary - May 2015. Collection method: clinical testing. Allele origin: germline.
Comment: Variant summary: MYH11 c.2430A>G (p.Arg810Arg) alters a non-conserved nucleotide located close to a canonical splice site, specifically the third-to-last nucleotide of exon 20, and therefore could affect mRNA splicing, leading to a significantly altered protein sequence. Several computational tools predict a significant impact on normal splicing: one predicts the variant abolishes a 5' splicing donor site, one predicts the variant weakens a 5' donor site, and one predicts the variant strengthens a cryptic 3' acceptor site. However, these predictions have yet to be confirmed by functional studies. The variant allele was found at a frequency of 8.1e-06 in 1614152 control chromosomes (gnomAD v4). The observed variant frequency is approximately 6.4 fold of the estimated maximal expected allele frequency for a pathogenic variant in MYH11 causing Aortopathy phenotype (1.3e-06), strongly suggesting that the variant is benign. To our knowledge, no occurrence of c.2430A>G in individuals affected with Aortopathy and no experimental evidence demonstrating its impact on protein function have been reported. ClinVar contains an entry for this variant (Variation ID: 2143431). Based on the evidence outlined above, the variant was classified as likely benign.

Color Diagnostics, LLC DBA Color Health
Classification: Likely benign for Familial thoracic aortic aneurysm and aortic dissection. Last evaluated: 2022-12-12. Review status: criteria provided, single submitter. Criteria: ACMG Guidelines, 2015. Collection method: clinical testing. Allele origin: germline.

Labcorp Genetics (formerly Invitae), Labcorp
Classification: Likely benign for Aortic aneurysm, familial thoracic 4. Last evaluated: 2022-05-18. Review status: criteria provided, single submitter. Criteria: Invitae Variant Classification Sherloc (09022015). Collection method: clinical testing. Allele origin: germline.